The following is an entry in ClinVar:

NC_000014.8:g.(?_68145038)_(68276026_?)dup

Genes: RDH12 (retinol dehydrogenase 12; plus strand), RDH11 (retinol dehydrogenase 11; minus strand), ZFYVE26 (zinc finger FYVE-type containing 26; minus strand). Cytogenetic location: 14q24.1.
Variant type: Duplication.
Identifiers: ClinVar variation 3244003 (VCV003244003.1).

ClinVar aggregate classification (germline): Uncertain significance (1 of 4 stars; one submission).

Conditions:
Leber congenital amaurosis 13 (LCA13). Identifiers: MedGen C2675186, MONDO:0012990, OMIM 612712.

Submission:

Labcorp Genetics (formerly Invitae), Labcorp
Classification: Uncertain significance for Leber congenital amaurosis 13. Last evaluated: 2023-11-08. Review status: criteria provided, single submitter. Criteria: Invitae Variant Classification Sherloc (09022015). Collection method: clinical testing. Allele origin: unknown.
Comment: A copy number gain of the genomic region encompassing the full coding sequence of the RDH12 gene has been identified. The boundaries of this event are unknown as they extend beyond the assayed region for this gene and therefore may encompass additional genes. As the precise location of this event is unknown, it may be in tandem or it may be located elsewhere in the genome. This variant has not been reported in the literature in individuals affected with RDH12-related conditions. In summary, the available evidence is currently insufficient to determine the role of this variant in disease. Therefore, it has been classified as a Variant of Uncertain Significance.